The following is an entry in ClinVar:

NM_080680.3(COL11A2):c.3583-7C>T

Gene: COL11A2 (collagen type XI alpha 2 chain; minus strand). Cytogenetic location: 6p21.32.
Variant type: single nucleotide variant.
Coding change: c.3583-7C>T on transcript NM_080680.3 (MANE Select); 7 bases into the intron before coding-DNA position 3583, C replaced by T.
Molecular consequence: intron variant.
Genome position (GRCh38, 1-based): chr6:33,170,107, G>A on the plus strand (C>T on the coding strand, the complement: COL11A2 is on the minus strand). VCF-style: chr6-33170107-G-A. GRCh37 (hg19) VCF-style: chr6-33137884-G-A.
Other names: c.2557-7C>T (NM_001424111.1, NM_001424110.1); c.3262-7C>T (NM_080679.3); c.3325-7C>T (NM_080681.3); c.3403-7C>T (NM_001424108.1); c.2737-7C>T (NM_001424109.1); c.1537-7C>T (NM_001424112.1); c.3583-7C>T (NM_080680.2).
Identifiers: ClinVar variation 2888776 (VCV002888776.5), dbSNP rs759852056, ClinGen allele CA3750445.

ClinVar aggregate classification (germline): Likely benign. Review status: criteria provided, single submitter (1 of 4 stars). 2 submissions from 2 submitters: Likely benign (1). 1 of the submissions does not count toward it. Last evaluated 2025-10-28.

Conditions:
COL11A2-related disorder. Also called: COL11A2-related condition; COL11A2-related disorders.

Allele frequency attached by ClinVar (database versions not stated): gnomAD exomes below 0.00001; gnomAD 0.00001; TOPMed 0.00001; ExAC 0.00002.

Submissions (2):

Labcorp Genetics (formerly Invitae), Labcorp
Classification: Likely benign. Last evaluated: 2025-10-28. Review status: criteria provided, single submitter. Criteria: Invitae Variant Classification Sherloc (09022015). Collection method: clinical testing. Allele origin: germline.

PreventionGenetics, part of Exact Sciences
Classification: Likely benign for COL11A2-related condition. Last evaluated: 2022-09-15. Review status: no assertion criteria provided. Collection method: clinical testing. Allele origin: germline. Not counted in ClinVar's aggregate classification.
Comment: This variant is classified as likely benign based on ACMG/AMP sequence variant interpretation guidelines (Richards et al. 2015 PMID: 25741868, with internal and published modifications).